The following is an entry in ClinVar:

ClinVar aggregate classification (germline): Uncertain significance (1 of 4 stars; one submission).

Conditions:
Beckwith-Wiedemann syndrome (BWS). Also called: EMG SYNDROME; Exomphalos macroglossia gigantism syndrome. Identifiers: Orphanet 116, MedGen C0004903, MONDO:0007534, OMIM 130650.

Allele frequency attached by ClinVar (database versions not stated): gnomAD exomes below 0.00001.

Submission:

Labcorp Genetics (formerly Invitae), Labcorp
Classification: Uncertain significance for Beckwith-Wiedemann syndrome. Last evaluated: 2023-10-28. Review status: criteria provided, single submitter. Criteria: Invitae Variant Classification Sherloc (09022015). Collection method: clinical testing. Allele origin: germline.
Comment: This sequence change replaces alanine, which is neutral and non-polar, with glutamic acid, which is acidic and polar, at codon 145 of the CDKN1C protein (p.Ala145Glu). This variant is not present in population databases (gnomAD no frequency). This variant has not been reported in the literature in individuals affected with CDKN1C-related conditions. Experimental studies and prediction algorithms are not available or were not evaluated, and the functional significance of this variant is currently unknown. In summary, the available evidence is currently insufficient to determine the role of this variant in disease. Therefore, it has been classified as a Variant of Uncertain Significance.

NM_001122630.2(CDKN1C):c.401C>A (p.Ala134Glu)

Gene: CDKN1C (cyclin dependent kinase inhibitor 1C; minus strand). Cytogenetic location: 11p15.4.
Variant type: single nucleotide variant.
Coding change: c.401C>A on transcript NM_001122630.2 (MANE Select); coding-DNA position 401, C replaced by A.
Protein change: p.Ala134Glu; replaces alanine 134 with glutamic acid.
Molecular consequence: missense variant. On other transcripts: intron variant (1).
Genome position (GRCh38, 1-based): chr11:2,885,056, G>T on the plus strand (C>A on the coding strand, the complement: CDKN1C is on the minus strand). VCF-style: chr11-2885056-G-T. GRCh37 (hg19) VCF-style: chr11-2906286-G-T.
Other names: c.401C>A, p.Ala134Glu (NM_001122631.2); c.434C>A, p.Ala145Glu (NM_001362474.2, NM_000076.2); c.255+146C>A (NM_001362475.2); short protein forms A134E, A145E.
Identifiers: ClinVar variation 2911518 (VCV002911518.3), dbSNP rs1590150497, ClinGen allele CA379146703.